The following is an entry in ClinVar:

NM_182976.4(ZNF326):c.1593C>T (p.Gly531=)

Gene: ZNF326 (zinc finger protein 326; plus strand). Cytogenetic location: 1p22.2.
Variant type: single nucleotide variant.
Coding change: c.1593C>T on transcript NM_182976.4 (MANE Select); coding-DNA position 1593, C replaced by T.
Protein change: p.Gly531=; no amino-acid change (glycine 531 retained).
Molecular consequence: synonymous variant.
Genome position (GRCh38, 1-based): chr1:90,027,545, C>T. VCF-style: chr1-90027545-C-T. GRCh37 (hg19) VCF-style: chr1-90493104-C-T.
Other names: c.1326C>T, p.Gly442= (NM_001320185.2); c.975C>T, p.Gly325= (NM_181781.4).
Identifiers: ClinVar variation 4872538 (VCV004872538.2).

ClinVar aggregate classification (germline): Likely benign (1 of 4 stars; one submission).

gnomAD v4.1: 149 of 1,594,802 alleles (0.0093%); highest among the groups gnomAD compares: Non-Finnish European, 0.012%; no homozygotes.

Submission:

CeGaT Center for Human Genetics Tuebingen
Classification: Likely benign. Last evaluated: 2026-06-01. Review status: criteria provided, single submitter. Criteria: CeGaT Center For Human Genetics Tuebingen Variant Classification Criteria Version 2. Collection method: clinical testing. Allele origin: germline. Affected: yes. Observed: 1 variant allele.
Comment: ZNF326: BP4, BP7